The following is an entry in ClinVar:

NM_006231.4(POLE):c.2107C>G (p.Pro703Ala)

Gene: POLE (DNA polymerase epsilon, catalytic subunit; minus strand). Cytogenetic location: 12q24.33.
Variant type: single nucleotide variant.
Coding change: c.2107C>G on transcript NM_006231.4 (MANE Select); coding-DNA position 2107, C replaced by G.
Protein change: p.Pro703Ala; replaces proline 703 with alanine.
Molecular consequence: missense variant.
Genome position (GRCh38, 1-based): chr12:132,668,422, G>C on the plus strand (C>G on the coding strand, the complement: POLE is on the minus strand). VCF-style: chr12-132668422-G-C. GRCh37 (hg19) VCF-style: chr12-133245008-G-C.
Other names: short protein forms P703A.
Identifiers: ClinVar variation 1061275 (VCV001061275.9), dbSNP rs2135975315, ClinGen allele CA387353927.

ClinVar aggregate classification (germline): Uncertain significance (1 of 4 stars; one submission).

Submission:

Labcorp Genetics (formerly Invitae), Labcorp
Classification: Uncertain significance. Last evaluated: 2020-03-07. Review status: criteria provided, single submitter. Criteria: Invitae Variant Classification Sherloc (09022015). Collection method: clinical testing. Allele origin: germline.
Comment: This sequence change replaces proline with alanine at codon 703 of the POLE protein (p.Pro703Ala). The proline residue is highly conserved and there is a small physicochemical difference between proline and alanine. This variant is not present in population databases (ExAC no frequency). This variant has not been reported in the literature in individuals with POLE-related conditions. Algorithms developed to predict the effect of missense changes on protein structure and function (SIFT, PolyPhen-2, Align-GVGD) all suggest that this variant is likely to be tolerated, but these predictions have not been confirmed by published functional studies and their clinical significance is uncertain. In summary, the available evidence is currently insufficient to determine the role of this variant in disease. Therefore, it has been classified as a Variant of Uncertain Significance.